The following is an entry in ClinVar:

ClinVar aggregate classification (germline): Uncertain significance (1 of 4 stars; one submission).

Submission:

Women's Health and Genetics/Laboratory Corporation of America, LabCorp
Classification: Uncertain significance. Last evaluated: 2024-02-09. Review status: criteria provided, single submitter. Criteria: LabCorp Variant Classification Summary - May 2015. Collection method: clinical testing. Allele origin: germline.
Comment: Variant summary: SLC4A11 c.2240+2dupT inserts a nucleotide altering the conserved consensus sequence of a canonical splice site and therefore could affect mRNA splicing, leading to a significantly altered protein sequence. Several computational tools predict a significant impact on normal splicing: four predict the variant abolishes a canonical 5' splicing donor site, however, these predictions have yet to be confirmed by functional studies. This variant alters the conserved +5G in the consensus 5' donor splice sequence, and another variant affecting this position (c.2240+5G>A) was demonstrated to result in aberrant splicing (PMID 31323090). The variant was absent in 1614666 control chromosomes (gnomAD v4). To our knowledge, no occurrence of c.2240+2dupT in individuals affected with Corneal Dystrophy And Perceptive Deafness and no experimental evidence demonstrating its impact on protein function have been reported. However, another variant affecting this splice-site (c.2192+1G>A) was reported in affected individuals (HGMD), and was classified as pathogenic/likely pathogenic in ClinVar. No submitters have cited clinical-significance assessments for this variant to ClinVar. Based on the evidence outlined above, the variant was classified as VUS-possibly pathogenic.

NM_001174089.2(SLC4A11):c.2192+2dup

Gene: SLC4A11 (solute carrier family 4 member 11; minus strand). Cytogenetic location: 20p13.
Variant type: Duplication.
Coding change: c.2192+2dup on transcript NM_001174089.2 (MANE Select); the canonical splice donor site of the intron after coding-DNA position 2192, one base duplicated (T; older notation c.2192+2dupT).
Molecular consequence: splice donor variant.
Genome position (GRCh38, 1-based): chr20:3,228,836, A duplicated on the plus strand (T on the coding strand, the reverse complement: SLC4A11 is on the minus strand). VCF-style (leftmost placement, unchanged base first): chr20-3228835-C-CA. GRCh37 (hg19) VCF-style: chr20-3209481-C-CA.
Other names: c.2135+2dup (NM_001400277.1, NM_001400278.1, NM_001400279.1); c.2078+2dup (NM_001363745.2); c.2207+2dup (NM_001400280.1); c.2321+2dup (NM_001174090.2); c.2240+2dup (NM_032034.4); c.2240+2dupT (NM_032034.4).
Identifiers: ClinVar variation 3068779 (VCV003068779.2), dbSNP rs2514521734, ClinGen allele CA2825002827.